The following is an entry in ClinVar:

ClinVar aggregate classification (germline): Uncertain significance (1 of 4 stars; one submission).

Allele frequency attached by ClinVar (database versions not stated): gnomAD exomes below 0.00001; gnomAD 0.00001; TOPMed 0.00001.
gnomAD v4.1: 3 of 1,609,350 alleles (0.00019%); highest among the groups gnomAD compares: African/African-American, 0.004%; no homozygotes.

Submission:

Labcorp Genetics (formerly Invitae), Labcorp
Classification: Uncertain significance. Last evaluated: 2022-04-25. Review status: criteria provided, single submitter. Criteria: Invitae Variant Classification Sherloc (09022015). Collection method: clinical testing. Allele origin: germline.
Comment: This sequence change affects codon 417 of the RASGRP1 mRNA. It is a 'silent' change, meaning that it does not change the encoded amino acid sequence of the RASGRP1 protein. This variant is not present in population databases (gnomAD no frequency). This variant has not been reported in the literature in individuals affected with RASGRP1-related conditions. Algorithms developed to predict the effect of sequence changes on RNA splicing suggest that this variant may disrupt the consensus splice site. In summary, the available evidence is currently insufficient to determine the role of this variant in disease. Therefore, it has been classified as a Variant of Uncertain Significance.

NM_005739.4(RASGRP1):c.1251G>A (p.Leu417=)

Gene: RASGRP1 (RAS guanyl releasing protein 1; minus strand). Cytogenetic location: 15q14.
Variant type: single nucleotide variant.
Coding change: c.1251G>A on transcript NM_005739.4 (MANE Select); coding-DNA position 1251, G replaced by A.
Protein change: p.Leu417=; no amino-acid change (leucine 417 retained).
Molecular consequence: synonymous variant.
Genome position (GRCh38, 1-based): chr15:38,505,912, C>T on the plus strand (G>A on the coding strand, the complement: RASGRP1 is on the minus strand). VCF-style: chr15-38505912-C-T. GRCh37 (hg19) VCF-style: chr15-38798113-C-T.
Other names: c.1251G>A, p.Leu417= (NM_001128602.2, NM_001306086.2).
Identifiers: ClinVar variation 2130634 (VCV002130634.1), dbSNP rs1173725831, ClinGen allele CA489706633.